The following is an entry in ClinVar:

NM_014425.5(INVS):c.2972C>G (p.Ser991Ter)

Gene: INVS (inversin; plus strand). Cytogenetic location: 9q31.1.
Variant type: single nucleotide variant.
Coding change: c.2972C>G on transcript NM_014425.5 (MANE Select); coding-DNA position 2972, C replaced by G.
Protein change: p.Ser991Ter; replaces serine 991 with a stop codon.
Molecular consequence: nonsense. On other transcripts: non-coding transcript variant (1).
Genome position (GRCh38, 1-based): chr9:100,297,102, C>G. VCF-style: chr9-100297102-C-G. GRCh37 (hg19) VCF-style: chr9-103059384-C-G.
Other names: c.2972C>G (NM_014425.4); c.2684C>G, p.Ser895Ter (NM_001318381.2); c.1994C>G, p.Ser665Ter (NM_001318382.2); short protein forms S665*, S895*, S991*.
Identifiers: ClinVar variation 834292 (VCV000834292.13), dbSNP rs1329661241, ClinGen allele CA374245356.

ClinVar aggregate classification (germline): Pathogenic/Likely pathogenic. Review status: criteria provided, multiple submitters, no conflicts (2 of 4 stars). 5 submissions from 5 submitters: Pathogenic (3); Likely pathogenic (2). Last evaluated 2025-07-07.

Conditions:
Nephronophthisis. Also called: Juvenile Nephronophthisis. Identifiers: Orphanet 655, MedGen C0687120, MONDO:0019005, HP:0000090.
INVS-related disorder. Also called: INVS-related condition.
Infantile nephronophthisis (NPHP2). Also called: Nephronophthisis 2; Nephronophthisis 2, infantile. Identifiers: Orphanet 655, Orphanet 93591, MedGen C1865872, MONDO:0011190, OMIM 602088.

Allele frequency attached by ClinVar (database versions not stated): gnomAD exomes below 0.00001 and 0.00001; TOPMed 0.00001.
gnomAD v4.1: 7 of 1,614,100 alleles (0.00043%); highest among the groups gnomAD compares: Admixed American, 0.0033%; no homozygotes.

Submissions (5):

Labcorp Genetics (formerly Invitae), Labcorp
Classification: Pathogenic for Nephronophthisis. Last evaluated: 2025-07-07. Review status: criteria provided, single submitter. Criteria: Invitae Variant Classification Sherloc (09022015). Collection method: clinical testing. Allele origin: germline.
Comment: This sequence change creates a premature translational stop signal (p.Ser991*) in the INVS gene. It is expected to result in an absent or disrupted protein product. Loss-of-function variants in INVS are known to be pathogenic (PMID: 12872123). This variant is present in population databases (no rsID available, gnomAD 0.003%). This variant has not been reported in the literature in individuals affected with INVS-related conditions. ClinVar contains an entry for this variant (Variation ID: 834292). For these reasons, this variant has been classified as Pathogenic.

Dasa
Classification: Likely pathogenic. Last evaluated: 2025-05-26. Review status: criteria provided, single submitter. Criteria: DASA Assertion Criteria. Collection method: clinical testing. Allele origin: germline.
Comment: NM_014425.5(INVS):c.2972C>G (p.Ser991*) is a nonsense variant in INVS predicted to introduce a premature termination codon and is predicted to result in an absent or altered protein product. Loss of function is an established disease mechanism for INVS-associated disorders. Also, this variant is rare in population databases. Based on the currently available evidence, this variant is classified as likely pathogenic.

PreventionGenetics, part of Exact Sciences
Classification: Pathogenic for INVS-related condition. Last evaluated: 2025-05-23. Review status: criteria provided, single submitter. Criteria: ACMG Guidelines, 2015. Collection method: clinical testing. Allele origin: germline.
Comment: The INVS c.2972C>G variant is predicted to result in premature protein termination (p.Ser991*). This variant was reported in an individual with pulmonary arterial hypertension and congenital heart defects, although no kidney features were noted and conclusive evidence of pathogenicity was not presented (Table S4, Zhu et al 2018. PubMed ID: 30029678). This variant is reported in 0.0029% of alleles in individuals of Latino descent in gnomAD. Nonsense variants in INVS are expected to be pathogenic. This variant is interpreted as pathogenic.

Women's Health and Genetics/Laboratory Corporation of America, LabCorp
Classification: Pathogenic for Infantile nephronophthisis. Last evaluated: 2025-03-20. Review status: criteria provided, single submitter. Criteria: LabCorp Variant Classification Summary - May 2015. Collection method: clinical testing. Allele origin: germline.
Comment: Variant summary: INVS c.2972C>G (p.Ser991X) results in a premature termination codon, predicted to cause a truncation of the encoded protein or absence of the protein due to nonsense mediated decay, which are commonly known mechanisms for disease. The variant allele was found at a frequency of 4e-06 in 251344 control chromosomes (gnomAD). c.2972C>G has been reported in the literature in one individual affected with Pulmonary Arterial Hypertension (Zhu_2018). The report does not provide unequivocal conclusions about association of the variant with Infantile Nephronophthisis. To our knowledge, no experimental evidence demonstrating an impact on protein function has been reported. The following publication have been ascertained in the context of this evaluation (PMID: 30029678). ClinVar contains an entry for this variant (Variation ID: 834292). Based on the evidence outlined above, the variant was classified as pathogenic.

Fulgent Genetics
Classification: Likely pathogenic for Infantile nephronophthisis. Last evaluated: 2024-02-12. Review status: criteria provided, single submitter. Criteria: ACMG Guidelines, 2015. Collection method: clinical testing. Allele origin: germline.

Literature cited by the submitters: PubMed 12872123 (cited by Labcorp Genetics (formerly Invitae), Labcorp); PubMed 30029678 (cited by Women's Health and Genetics/Laboratory Corporation of America, LabCorp).